The following is an entry in ClinVar:

ClinVar aggregate classification (germline): Uncertain significance. Review status: criteria provided, multiple submitters, no conflicts (2 of 4 stars). 2 submissions from 2 submitters: Uncertain significance (2). Last evaluated 2022-06-23.

Conditions:
Charcot-Marie-Tooth disease type 2. Also called: Charcot-Marie-Tooth type 2. Identifiers: Orphanet 64746, MedGen C0270914, MONDO:0018993.
Cardiomyopathy (CMYO). Also called: Cardiomyopathies. Identifiers: Orphanet 167848, MedGen C0878544, MONDO:0004994, HP:0001638. Inheritance: Various modes of inheritance.

Allele frequency attached by ClinVar (database versions not stated): gnomAD exomes below 0.00001; TOPMed below 0.00001.
gnomAD v4.1: 1 of 1,613,304 alleles (0.000062%); highest among the groups gnomAD compares: Non-Finnish European, 0.000085%; no homozygotes.

Submissions (2):

Labcorp Genetics (formerly Invitae), Labcorp
Classification: Uncertain significance for Charcot-Marie-Tooth disease type 2. Last evaluated: 2022-06-23. Review status: criteria provided, single submitter. Criteria: Invitae Variant Classification Sherloc (09022015). Collection method: clinical testing. Allele origin: germline.
Comment: In summary, the available evidence is currently insufficient to determine the role of this variant in disease. Therefore, it has been classified as a Variant of Uncertain Significance. Algorithms developed to predict the effect of missense changes on protein structure and function are either unavailable or do not agree on the potential impact of this missense change (SIFT: "Deleterious"; PolyPhen-2: "Benign"; Align-GVGD: "Class C0"). ClinVar contains an entry for this variant (Variation ID: 919285). This missense change has been observed in individual(s) with limb-girdle muscular dystrophy (PMID: 15678000). This variant is not present in population databases (gnomAD no frequency). This sequence change replaces aspartic acid, which is acidic and polar, with glycine, which is neutral and non-polar, at codon 639 of the LMNA protein (p.Asp639Gly).

Color Diagnostics, LLC DBA Color Health
Classification: Uncertain significance for Cardiomyopathy. Last evaluated: 2019-01-16. Review status: criteria provided, single submitter. Criteria: ACMG Guidelines, 2015. Collection method: clinical testing. Allele origin: germline.
Comment: Variant of Uncertain Significance due to insufficient evidence: This missense variant is located in the actin-binding region of the lamin A protein. Computational prediction tools and conservation analyses are inconclusive regarding the impact of this variant on the protein function. Computational splicing tools suggest that this variant may not impact RNA splicing. To our knowledge, functional assays have not been performed for this variant nor has this variant been reported in individuals affected with cardiovascular disorders in the literature. This variant is rare in the general population and has been identified in 0/277264 chromosomes by the Genome Aggregation Database (gnomAD). Available evidence is insufficient to determine the role of this variant in disease conclusively.

Literature cited by the submitters: PubMed 15678000 (cited by Labcorp Genetics (formerly Invitae), Labcorp).

NM_170707.4(LMNA):c.1916A>G (p.Asp639Gly)

Gene: LMNA (lamin A/C; plus strand). Cytogenetic location: 1q22.
Variant type: single nucleotide variant.
Coding change: c.1916A>G on transcript NM_170707.4 (MANE Select); coding-DNA position 1916, A replaced by G.
Protein change: p.Asp639Gly; replaces aspartic acid 639 with glycine.
Molecular consequence: missense variant. On other transcripts: intron variant (1).
Genome position (GRCh38, 1-based): chr1:156,138,705, A>G. VCF-style: chr1-156138705-A-G. GRCh37 (hg19) VCF-style: chr1-156108496-A-G.
Other names: c.1580A>G, p.Asp527Gly (NM_001257374.3); c.1826A>G, p.Asp609Gly (NM_170708.4); c.1818+98A>G (NM_001282626.2); short protein forms D609G, D639G, D527G.
Identifiers: ClinVar variation 919285 (VCV000919285.5), dbSNP rs1572369800, ClinGen allele CA342827894.
Genomic context (GRCh38, chr1:156,138,705, plus strand): 5'-GTGTCACGGTCACTCGCAGCTACCGCAGTGTGGGGGGCAGTGGGGGTGGCAGCTTCGGGG[A>G]CAATCTGGTCACCCGCTCCTACCTCCTGGGCAACTCCAGCCCCCGAACCCAGGTGAGTTG-3'
Protein context (NP_733821.1, residues 629-649): VGGSGGGSFG[Asp639Gly]NLVTRSYLLG